The following is an entry in ClinVar:

ClinVar aggregate classification (germline): Likely pathogenic (1 of 4 stars; one submission).

Conditions:
Argininosuccinate lyase deficiency. Also called: ARGININOSUCCINIC ACID LYASE DEFICIENCY; Argininosuccinic aciduria; ASL DEFICIENCY. Identifiers: Orphanet 23, MedGen C0268547, MONDO:0008815, OMIM 207900, HP:0025630.

Submission:

Women's Health and Genetics/Laboratory Corporation of America, LabCorp
Classification: Likely pathogenic for Argininosuccinate lyase deficiency. Last evaluated: 2023-07-28. Review status: criteria provided, single submitter. Criteria: LabCorp Variant Classification Summary - May 2015. Collection method: clinical testing. Allele origin: germline.
Comment: Variant summary: ASL c.436C>G (p.Arg146Gly) results in a non-conservative amino acid change located in the N-terminal domain (IPR022761) of the encoded protein sequence. Five of five in-silico tools predict a damaging effect of the variant on protein function. The variant was absent in 249972 control chromosomes (gnomAD). c.436C>G has been reported in the literature in at least one homozygous individual affected with Argininosuccinic Aciduria (e.g., Ali_2019). These data indicate that the variant may be associated with disease. To our knowledge, no experimental evidence demonstrating an impact on protein function has been reported. The following publication was ascertained in the context of this evaluation (PMID: 31709144). No submitters have reported clinical-significance assessments for this variant to ClinVar after 2014. Additionally, another missense variant affecting the same codon, c.436C>T (p.Arg146Trp), has been classified by our lab as pathogenic, suggesting that variants disrupting this residue are likely to be associated with disease. Based on the evidence outlined above, the variant was classified as likely pathogenic.

Literature cited by the submitters: PubMed 31709144.

NM_000048.4(ASL):c.436C>G (p.Arg146Gly)

Gene: ASL (argininosuccinate lyase; plus strand). Cytogenetic location: 7q11.21.
Variant type: single nucleotide variant.
Coding change: c.436C>G on transcript NM_000048.4 (MANE Select); coding-DNA position 436, C replaced by G.
Protein change: p.Arg146Gly; replaces arginine 146 with glycine.
Molecular consequence: missense variant.
Genome position (GRCh38, 1-based): chr7:66,083,164, C>G. VCF-style: chr7-66083164-C-G. GRCh37 (hg19) VCF-style: chr7-65548151-C-G.
Other names: c.436C>G, p.Arg146Gly (NM_001024943.2, NM_001024944.2, NM_001024946.2); short protein forms R146G.
Identifiers: ClinVar variation 2577248 (VCV002577248.1), dbSNP rs199938613, ClinGen allele CA367639529.
Genomic context (GRCh38, chr7:66,083,164, plus strand): 5'-CGGCAGACCTGCTCCACGCTCTCGGGCCTCCTCTGGGAGCTCATTAGGACCATGGTGGAT[C>G]GGGCAGAGGCGTGAGTCCTACAGGGACACCCAGGGGGCAGACAGAGGTGTGATGGAAGCC-3'
Protein context (NP_000039.2, residues 136-156): LWELIRTMVD[Arg146Gly]AEAERDVLFP